The following is an entry in ClinVar:

ClinVar aggregate classification (germline): Conflicting classifications of pathogenicity. Review status: criteria provided, conflicting classifications (1 of 4 stars). 8 submissions from 6 submitters: Uncertain significance (7); Likely benign (1). Last evaluated 2026-01-31.

Conditions:
Cardiomyopathy (CMYO). Also called: Cardiomyopathies. Identifiers: Orphanet 167848, MedGen C0878544, MONDO:0004994, HP:0001638. Inheritance: Various modes of inheritance.
Cardiovascular phenotype. Identifiers: MedGen CN230736.
Arrhythmogenic cardiomyopathy with wooly hair and keratoderma. Also called: PALMOPLANTAR KERATODERMA WITH LEFT VENTRICULAR CARDIOMYOPATHY AND WOOLLY HAIR; Carvajal syndrome; Dilated cardiomyopathy with woolly hair and keratoderma; Arrhythmogenic cardiomyopathy with woolly hair and keratoderma. Identifiers: Orphanet 65282, MedGen C1854063, MONDO:0011581, OMIM 605676.
Arrhythmogenic right ventricular dysplasia 8 (ARVD8). Also called: ARRHYTHMOGENIC RIGHT VENTRICULAR DYSPLASIA, FAMILIAL, 8; ARRHYTHMOGENIC RIGHT VENTRICULAR CARDIOMYOPATHY 8; Arrhythmogenic Right Ventricular Dysplasia/Cardiomyopathy 8. Identifiers: MedGen C1843896, MONDO:0011831, OMIM 607450.
Lethal acantholytic epidermolysis bullosa (EBLA). Identifiers: Orphanet 158687, MedGen C1864826, MONDO:0012323, OMIM 609638.
Woolly hair-skin fragility syndrome (WHSF). Identifiers: Orphanet 293165, MedGen C1843292, MONDO:0957307, OMIM 620415.

Allele frequency attached by ClinVar (database versions not stated): ExAC 0.00001; gnomAD 0.00001; TOPMed 0.00001; gnomAD exomes 0.00002 and 0.00005.
gnomAD v4.1: 74 of 1,614,054 alleles (0.0046%); highest among the groups gnomAD compares: Admixed American, 0.0067%; no homozygotes.

Submissions (8):

Labcorp Genetics (formerly Invitae), Labcorp
Classification: Likely benign for Arrhythmogenic cardiomyopathy with wooly hair and keratoderma; Arrhythmogenic right ventricular dysplasia 8. Last evaluated: 2026-01-31. Review status: criteria provided, single submitter. Criteria: Invitae Variant Classification Sherloc (09022015). Collection method: clinical testing. Allele origin: germline.

GeneDx
Classification: Uncertain significance. Last evaluated: 2024-08-20. Review status: criteria provided, single submitter. Criteria: GeneDx Variant Classification Process June 2021. Collection method: clinical testing. Allele origin: germline. Affected: yes.
Comment: In silico analysis supports that this missense variant has a deleterious effect on protein structure/function; Has not been previously published as pathogenic or benign to our knowledge

All of Us Research Program, National Institutes of Health
Classification: Uncertain significance for Arrhythmogenic cardiomyopathy with wooly hair and keratoderma. Last evaluated: 2024-02-22. Review status: criteria provided, single submitter. Criteria: ACMG Guidelines, 2015. Collection method: clinical testing. Allele origin: germline. Inheritance: Autosomal dominant inheritance. Observed: 7 variant alleles, 7 heterozygotes.
Comment: This missense variant replaces glutamic acid with lysine at codon 793 of the DSP protein. Computational prediction suggests that this variant may not impact protein structure and function (internally defined REVEL score threshold <= 0.5, PMID: 27666373). To our knowledge, functional studies have not been reported for this variant. This variant has not been reported in individuals affected with cardiovascular disorders in the literature. This variant has been identified in 6/251400 chromosomes in the general population by the Genome Aggregation Database (gnomAD). The available evidence is insufficient to determine the role of this variant in disease conclusively. Therefore, this variant is classified as a Variant of Uncertain Significance.

This study involves interpretation of variants in research participants for the purpose of population health screening. Participant phenotype was not available at the time of variant classification. Additional details can be found in publication PMID: 35346344, PMCID: PMC8962531

Color Diagnostics, LLC DBA Color Health
Classification: Uncertain significance for Cardiomyopathy. Last evaluated: 2024-02-07. Review status: criteria provided, single submitter. Criteria: ACMG Guidelines, 2015. Collection method: clinical testing. Allele origin: germline.
Comment: This missense variant replaces glutamic acid with lysine at codon 793 of the DSP protein. Computational prediction suggests that this variant may not impact protein structure and function (internally defined REVEL score threshold <= 0.5, PMID: 27666373). To our knowledge, functional studies have not been reported for this variant. This variant has not been reported in individuals affected with cardiovascular disorders in the literature. This variant has been identified in 6/251400 chromosomes in the general population by the Genome Aggregation Database (gnomAD). The available evidence is insufficient to determine the role of this variant in disease conclusively. Therefore, this variant is classified as a Variant of Uncertain Significance.

Ambry Genetics
Classification: Uncertain significance for Cardiovascular phenotype. Last evaluated: 2023-05-30. Review status: criteria provided, single submitter. Criteria: Ambry Variant Classification Scheme 2023. Collection method: clinical testing. Allele origin: germline.
Comment: The p.E793K variant (also known as c.2377G>A), located in coding exon 17 of the DSP gene, results from a G to A substitution at nucleotide position 2377. The glutamic acid at codon 793 is replaced by lysine, an amino acid with similar properties. This amino acid position is highly conserved in available vertebrate species. In addition, the in silico prediction for this alteration is inconclusive. Since supporting evidence is limited at this time, the clinical significance of this alteration remains unclear.

Illumina Laboratory Services, Illumina
Classification: Uncertain significance for Arrhythmogenic right ventricular dysplasia 8. Last evaluated: 2018-01-12. Review status: criteria provided, single submitter. Criteria: ICSL Variant Classification Criteria 13 December 2019. Collection method: clinical testing. Allele origin: germline.

Illumina Laboratory Services, Illumina
Classification: Uncertain significance for Arrhythmogenic cardiomyopathy with wooly hair and keratoderma. Last evaluated: 2018-01-12. Review status: criteria provided, single submitter. Criteria: ICSL Variant Classification Criteria 13 December 2019. Collection method: clinical testing. Allele origin: germline.

Illumina Laboratory Services, Illumina
Classification: Uncertain significance for Lethal acantholytic epidermolysis bullosa. Last evaluated: 2018-01-12. Review status: criteria provided, single submitter. Criteria: ICSL Variant Classification Criteria 13 December 2019. Collection method: clinical testing. Allele origin: germline.

NM_004415.4(DSP):c.2377G>A (p.Glu793Lys)

Gene: DSP (desmoplakin; plus strand). Cytogenetic location: 6p24.3.
Variant type: single nucleotide variant.
Coding change: c.2377G>A on transcript NM_004415.4 (MANE Select); coding-DNA position 2377, G replaced by A.
Protein change: p.Glu793Lys; replaces glutamic acid 793 with lysine.
Molecular consequence: missense variant.
Genome position (GRCh38, 1-based): chr6:7,574,736, G>A. VCF-style: chr6-7574736-G-A. GRCh37 (hg19) VCF-style: chr6-7574969-G-A.
Other names: c.2377G>A (LRG_423t1); c.2377G>A, p.Glu793Lys (NM_001008844.3, NM_001319034.2); short protein forms E793K.
Identifiers: ClinVar variation 357943 (VCV000357943.23), dbSNP rs755067397, ClinGen allele CA032987.